The following is an entry in ClinVar:

NM_003072.5(SMARCA4):c.3560A>C (p.Gln1187Pro)

Gene: SMARCA4 (SWI/SNF related BAF chromatin remodeling complex subunit ATPase 4; plus strand). Cytogenetic location: 19p13.2.
Variant type: single nucleotide variant.
Coding change: c.3560A>C on transcript NM_003072.5 (MANE Select); coding-DNA position 3560, A replaced by C.
Protein change: p.Gln1187Pro; replaces glutamine 1187 with proline.
Molecular consequence: missense variant. On other transcripts: non-coding transcript variant (1).
Genome position (GRCh38, 1-based): chr19:11,033,303, A>C. VCF-style: chr19-11033303-A-C. GRCh37 (hg19) VCF-style: chr19-11143979-A-C.
Other names: c.3560A>C, p.Gln1187Pro (NM_001374457.1, NM_001387283.1, NM_001411150.1 and 6 more transcripts); short protein forms Q1187P.
Identifiers: ClinVar variation 2729748 (VCV002729748.3), dbSNP rs2146648093, ClinGen allele CA404065137.

ClinVar aggregate classification (germline): Uncertain significance (1 of 4 stars; one submission).

Conditions:
Rhabdoid tumor predisposition syndrome 2 (RTPS2). Identifiers: Orphanet 231108, Orphanet 69077, MedGen C2750074, MONDO:0013224, OMIM 613325.

Submission:

Labcorp Genetics (formerly Invitae), Labcorp
Classification: Uncertain significance for Rhabdoid tumor predisposition syndrome 2. Last evaluated: 2023-06-27. Review status: criteria provided, single submitter. Criteria: Invitae Variant Classification Sherloc (09022015). Collection method: clinical testing. Allele origin: germline.
Comment: This variant is not present in population databases (gnomAD no frequency). This sequence change replaces glutamine, which is neutral and polar, with proline, which is neutral and non-polar, at codon 1187 of the SMARCA4 protein (p.Gln1187Pro). This variant has not been reported in the literature in individuals affected with SMARCA4-related conditions. In summary, the available evidence is currently insufficient to determine the role of this variant in disease. Therefore, it has been classified as a Variant of Uncertain Significance. Advanced modeling of protein sequence and biophysical properties (such as structural, functional, and spatial information, amino acid conservation, physicochemical variation, residue mobility, and thermodynamic stability) performed at Invitae indicates that this missense variant is expected to disrupt SMARCA4 protein function.